The following is an entry in ClinVar:

NM_004525.3(LRP2):c.11014+4A>C

Gene: LRP2 (LDL receptor related protein 2; minus strand). Cytogenetic location: 2q31.1.
Variant type: single nucleotide variant.
Coding change: c.11014+4A>C on transcript NM_004525.3 (MANE Select); 4 bases into the intron after coding-DNA position 11014, A replaced by C.
Molecular consequence: intron variant.
Genome position (GRCh38, 1-based): chr2:169,173,915, T>G on the plus strand (A>C on the coding strand, the complement: LRP2 is on the minus strand). VCF-style: chr2-169173915-T-G. GRCh37 (hg19) VCF-style: chr2-170030425-T-G.
Identifiers: ClinVar variation 1519746 (VCV001519746.4), dbSNP rs2105281642, ClinGen allele CA2573133595.

ClinVar aggregate classification (germline): Uncertain significance. Review status: criteria provided, multiple submitters, no conflicts (2 of 4 stars). 2 submissions from 2 submitters: Uncertain significance (2). Last evaluated 2021-09-23.

Conditions:
Donnai-Barrow syndrome. Also called: DBS/FOAR SYNDROME; FACIOOCULOACOUSTICORENAL SYNDROME. Identifiers: Orphanet 2143, MedGen C1857277, MONDO:0009104, OMIM 222448.

Allele frequency attached by ClinVar (database versions not stated): gnomAD exomes below 0.00001.
gnomAD v4.1: 1 of 1,614,138 alleles (0.000062%); highest among the groups gnomAD compares: Non-Finnish European, 0.000085%; no homozygotes.

Submissions (2):

Fulgent Genetics
Classification: Uncertain significance for Donnai-Barrow syndrome. Last evaluated: 2021-09-23. Review status: criteria provided, single submitter. Criteria: ACMG Guidelines, 2015. Collection method: clinical testing. Allele origin: unknown.

Labcorp Genetics (formerly Invitae), Labcorp
Classification: Uncertain significance. Last evaluated: 2021-03-25. Review status: criteria provided, single submitter. Criteria: Invitae Variant Classification Sherloc (09022015). Collection method: clinical testing. Allele origin: germline.
Comment: This sequence change falls in intron 56 of the LRP2 gene. It does not directly change the encoded amino acid sequence of the LRP2 protein. It affects a nucleotide within the consensus splice site of the intron. This variant is not present in population databases (ExAC no frequency). This variant has not been reported in the literature in individuals with LRP2-related conditions. Nucleotide substitutions within the consensus splice site are a relatively common cause of aberrant splicing (PMID: 17576681, 9536098). Algorithms developed to predict the effect of sequence changes on RNA splicing suggest that this variant may disrupt the consensus splice site, but this prediction has not been confirmed by published transcriptional studies. In summary, the available evidence is currently insufficient to determine the role of this variant in disease. Therefore, it has been classified as a Variant of Uncertain Significance.

Literature cited by the submitters: PubMed 17576681 (cited by Labcorp Genetics (formerly Invitae), Labcorp); PubMed 9536098 (cited by Labcorp Genetics (formerly Invitae), Labcorp).